The following is an entry in ClinVar:

NM_006231.4(POLE):c.2266_2274del (p.Asp756_Val758del)

Gene: POLE (DNA polymerase epsilon, catalytic subunit; minus strand). Cytogenetic location: 12q24.33.
Variant type: Deletion.
Coding change: c.2266_2274del on transcript NM_006231.4 (MANE Select); coding-DNA positions 2266 to 2274, 9 bases deleted (GACACCGTG; older notation c.2266_2274delGACACCGTG).
Protein change: p.Asp756_Val758del.
Molecular consequence: inframe deletion.
Genome position (GRCh38, 1-based): chr12:132,667,548-132,667,556, CACGGTGTC deleted on the plus strand (GACACCGTG on the coding strand, the reverse complement: POLE is on the minus strand); deleting any 9 consecutive bases within chr12:132,667,548-132,667,560 gives the same sequence; the c. name uses the placement nearest the transcript's 3' end. VCF-style (leftmost placement, unchanged base first): chr12-132667547-GCACGGTGTC-G. GRCh37 (hg19) VCF-style: chr12-133244133-GCACGGTGTC-G.
Identifiers: ClinVar variation 1037187 (VCV001037187.8), dbSNP rs2042824254, ClinGen allele CA2072998576.

ClinVar aggregate classification (germline): Uncertain significance (1 of 4 stars; one submission).

Submission:

Labcorp Genetics (formerly Invitae), Labcorp
Classification: Uncertain significance. Last evaluated: 2024-04-08. Review status: criteria provided, single submitter. Criteria: Invitae Variant Classification Sherloc (09022015). Collection method: clinical testing. Allele origin: germline.
Comment: This variant, c.2266_2274del, results in the deletion of 3 amino acid(s) of the POLE protein (p.Asp756_Val758del), but otherwise preserves the integrity of the reading frame. This variant is not present in population databases (gnomAD no frequency). This variant has not been reported in the literature in individuals affected with POLE-related conditions. ClinVar contains an entry for this variant (Variation ID: 1037187). Experimental studies and prediction algorithms are not available or were not evaluated, and the functional significance of this variant is currently unknown. In summary, the available evidence is currently insufficient to determine the role of this variant in disease. Therefore, it has been classified as a Variant of Uncertain Significance.